The following is an entry in ClinVar:

ClinVar aggregate classification (germline): Uncertain significance. Review status: criteria provided, multiple submitters, no conflicts (2 of 4 stars). 3 submissions from 3 submitters: Uncertain significance (3). Last evaluated 2024-07-11.

Conditions:
Hereditary diffuse gastric adenocarcinoma (HDGC). Also called: DIFFUSE GASTRIC AND LOBULAR BREAST CANCER SYNDROME. Identifiers: Orphanet 26106, MedGen C1708349, MONDO:0007648, OMIM 137215.
Hereditary cancer-predisposing syndrome. Also called: Hereditary neoplastic syndrome; Tumor predisposition; Hereditary Cancer Syndrome; Neoplastic Syndromes, Hereditary. Identifiers: Orphanet 140162, MedGen C0027672, MeSH D009386, MONDO:0015356.

Allele frequency attached by ClinVar (database versions not stated): gnomAD exomes below 0.00001.
gnomAD v4.1: 2 of 1,614,106 alleles (0.00012%); highest among the groups gnomAD compares: Non-Finnish European, 0.00017%; no homozygotes.

Submissions (3):

Labcorp Genetics (formerly Invitae), Labcorp
Classification: Uncertain significance for Hereditary diffuse gastric adenocarcinoma. Last evaluated: 2024-07-11. Review status: criteria provided, single submitter. Criteria: Invitae Variant Classification Sherloc (09022015). Collection method: clinical testing. Allele origin: germline.
Comment: This sequence change replaces alanine, which is neutral and non-polar, with valine, which is neutral and non-polar, at codon 298 of the CDH1 protein (p.Ala298Val). This variant is not present in population databases (gnomAD no frequency). This variant has not been reported in the literature in individuals affected with CDH1-related conditions. ClinVar contains an entry for this variant (Variation ID: 580376). An algorithm developed to predict the effect of missense changes on protein structure and function (PolyPhen-2) suggests that this variant is likely to be disruptive. In summary, the available evidence is currently insufficient to determine the role of this variant in disease. Therefore, it has been classified as a Variant of Uncertain Significance.

Quest Diagnostics Nichols Institute San Juan Capistrano
Classification: Uncertain significance. Last evaluated: 2021-05-03. Review status: criteria provided, single submitter. Criteria: Quest Diagnostics criteria. Collection method: clinical testing. Allele origin: unknown.

Ambry Genetics
Classification: Uncertain significance for Hereditary cancer-predisposing syndrome. Last evaluated: 2019-04-26. Review status: criteria provided, single submitter. Criteria: Ambry Variant Classification Scheme 2023. Collection method: clinical testing. Allele origin: germline.
Comment: The p.A298V variant (also known as c.893C>T), located in coding exon 7 of the CDH1 gene, results from a C to T substitution at nucleotide position 893. The alanine at codon 298 is replaced by valine, an amino acid with similar properties. This amino acid position is not well conserved in available vertebrate species. In addition, this alteration is predicted to be tolerated by in silico analysis. Since supporting evidence is limited at this time, the clinical significance of this alteration remains unclear.

NM_004360.5(CDH1):c.893C>T (p.Ala298Val)

Gene: CDH1 (cadherin 1; plus strand). Cytogenetic location: 16q22.1.
Variant type: single nucleotide variant.
Coding change: c.893C>T on transcript NM_004360.5 (MANE Select); coding-DNA position 893, C replaced by T.
Protein change: p.Ala298Val; replaces alanine 298 with valine.
Molecular consequence: missense variant. On other transcripts: 5 prime UTR variant (2).
Genome position (GRCh38, 1-based): chr16:68,811,744, C>T. VCF-style: chr16-68811744-C-T. GRCh37 (hg19) VCF-style: chr16-68845647-C-T.
Other names: c.893C>T (LRG_301t1); c.893C>T, p.Ala298Val (NM_001317184.2); c.-723C>T (NM_001317185.2); c.-927C>T (NM_001317186.2); short protein forms A298V.
Identifiers: ClinVar variation 580376 (VCV000580376.14), dbSNP rs1017050648, ClinGen allele CA283300116.
Genomic context (GRCh38, chr16:68,811,744, plus strand): 5'-GAACCTCTGTGATGGAGGTCACAGCCACAGACGCGGACGATGATGTGAACACCTACAATG[C>T]CGCCATCGCTTACACCATCCTCAGCCAAGATCCTGAGCTCCCTGACAAAAATATGTTCAC-3'
Protein context (NP_004351.1, residues 288-308): DADDDVNTYN[Ala298Val]AIAYTILSQD